The following is an entry in ClinVar:

NM_181486.4(TBX5):c.51T>C (p.Pro17=)

Gene: TBX5 (T-box transcription factor 5; minus strand). Cytogenetic location: 12q24.21.
Variant type: single nucleotide variant.
Coding change: c.51T>C on transcript NM_181486.4 (MANE Select); coding-DNA position 51, T replaced by C.
Protein change: p.Pro17=; no amino-acid change (proline 17 retained).
Molecular consequence: synonymous variant. On other transcripts: intron variant (1).
Genome position (GRCh38, 1-based): chr12:114,403,848, A>G on the plus strand (T>C on the coding strand, the complement: TBX5 is on the minus strand). VCF-style: chr12-114403848-A-G. GRCh37 (hg19) VCF-style: chr12-114841653-A-G.
Other names: c.51T>C, p.Pro17= (NM_000192.3); c.-3-1928T>C (NM_080717.4).
Identifiers: ClinVar variation 3025607 (VCV003025607.24), dbSNP rs765479608, ClinGen allele CA6809737.

ClinVar aggregate classification (germline): Likely benign. Review status: criteria provided, multiple submitters, no conflicts (2 of 4 stars). 3 submissions from 3 submitters: Likely benign (3). Last evaluated 2025-01-28.

Conditions:
Cardiovascular phenotype. Identifiers: MedGen CN230736.

Allele frequency attached by ClinVar (database versions not stated): TOPMed below 0.00001; ExAC 0.00001; gnomAD exomes 0.00002; gnomAD 0.00007.
gnomAD v4.1: 44 of 1,613,702 alleles (0.0027%); highest among the groups gnomAD compares: Non-Finnish European, 0.0017%; no homozygotes.

Submissions (3):

Ambry Genetics
Classification: Likely benign for Cardiovascular phenotype. Last evaluated: 2025-01-28. Review status: criteria provided, single submitter. Criteria: Ambry Variant Classification Scheme 2023. Collection method: clinical testing. Allele origin: germline.

CeGaT Center for Human Genetics Tuebingen
Classification: Likely benign. Last evaluated: 2023-12-01. Review status: criteria provided, single submitter. Criteria: CeGaT Center For Human Genetics Tuebingen Variant Classification Criteria Version 2. Collection method: clinical testing. Allele origin: germline. Affected: yes. Observed: 1 variant allele.
Comment: TBX5: BP4, BP7

Blueprint Genetics
Classification: Likely benign. Last evaluated: 2019-04-17. Review status: criteria provided, single submitter. Criteria: ACMG Guidelines, 2015. Collection method: clinical testing. Allele origin: germline.